The following is an entry in ClinVar:

NM_001370298.3(FGD4):c.755C>G (p.Ser252Cys)

Gene: FGD4 (FYVE, RhoGEF and PH domain containing 4; plus strand). Cytogenetic location: 12p11.21.
Variant type: single nucleotide variant.
Coding change: c.755C>G on transcript NM_001370298.3 (MANE Select); coding-DNA position 755, C replaced by G.
Protein change: p.Ser252Cys; replaces serine 252 with cysteine.
Molecular consequence: missense variant. On other transcripts: 5 prime UTR variant (2), non-coding transcript variant (1), intron variant (1).
Genome position (GRCh38, 1-based): chr12:32,582,211, C>G. VCF-style: chr12-32582211-C-G. GRCh37 (hg19) VCF-style: chr12-32735145-C-G.
Other names: c.599C>G, p.Ser200Cys (NM_001304481.2); c.-501C>G (NM_001304483.2); c.-808C>G (NM_001304484.2); c.65C>G, p.Ser22Cys (NM_001330373.2, NM_001330374.2, NM_001384130.1); c.755C>G, p.Ser252Cys (NM_001384126.1); c.344C>G, p.Ser115Cys (NM_001384127.1, NM_001384128.1, NM_001384131.1 and 3 more transcripts); c.49-16286C>G (NM_001370297.1); short protein forms S200C, S22C, S115C, S252C.
Identifiers: ClinVar variation 1389078 (VCV001389078.8), dbSNP rs1946671502, ClinGen allele CA384356060.

ClinVar aggregate classification (germline): Uncertain significance (1 of 4 stars; one submission).

Conditions:
Charcot-Marie-Tooth disease type 4. Also called: Charcot-Marie-Tooth disease, type IV; Charcot-Marie-Tooth, Type 4. Identifiers: Orphanet 64749, MedGen C4082197, MONDO:0018995.

Allele frequency attached by ClinVar (database versions not stated): gnomAD exomes below 0.00001; TOPMed below 0.00001.

Submission:

Labcorp Genetics (formerly Invitae), Labcorp
Classification: Uncertain significance for Charcot-Marie-Tooth disease type 4. Last evaluated: 2021-01-31. Review status: criteria provided, single submitter. Criteria: Invitae Variant Classification Sherloc (09022015). Collection method: clinical testing. Allele origin: germline.
Comment: In summary, the available evidence is currently insufficient to determine the role of this variant in disease. Therefore, it has been classified as a Variant of Uncertain Significance. Algorithms developed to predict the effect of missense changes on protein structure and function (SIFT, PolyPhen-2, Align-GVGD) all suggest that this variant is likely to be tolerated, but these predictions have not been confirmed by published functional studies and their clinical significance is uncertain. This variant has not been reported in the literature in individuals with FGD4-related conditions. This variant is not present in population databases (ExAC no frequency). This sequence change replaces serine with cysteine at codon 115 of the FGD4 protein (p.Ser115Cys). The serine residue is weakly conserved and there is a moderate physicochemical difference between serine and cysteine.